The following is an entry in ClinVar:

ClinVar aggregate classification (germline): Uncertain significance (1 of 4 stars; one submission).

Conditions:
Hereditary cancer-predisposing syndrome. Also called: Neoplastic Syndromes, Hereditary; Tumor predisposition; Hereditary neoplastic syndrome; Hereditary Cancer Syndrome. Identifiers: Orphanet 140162, MedGen C0027672, MeSH D009386, MONDO:0015356.
Cardiovascular phenotype. Identifiers: MedGen CN230736.

Submission:

Ambry Genetics
Classification: Uncertain significance for Cardiovascular phenotype; Hereditary cancer-predisposing syndrome. Last evaluated: 2024-03-04. Review status: criteria provided, single submitter. Criteria: Ambry Variant Classification Scheme 2023. Collection method: clinical testing. Allele origin: germline.
Comment: The p.E977D variant (also known as c.2931A>T), located in coding exon 22 of the NF1 gene, results from an A to T substitution at nucleotide position 2931. The glutamic acid at codon 977 is replaced by aspartic acid, an amino acid with highly similar properties. This amino acid position is conserved. In addition, this alteration is predicted to be tolerated by in silico analysis. Based on the available evidence, the clinical significance of this alteration remains unclear.

NM_001042492.3(NF1):c.2931A>T (p.Glu977Asp)

Gene: NF1 (neurofibromin 1; plus strand). Cytogenetic location: 17q11.2.
Variant type: single nucleotide variant.
Coding change: c.2931A>T on transcript NM_001042492.3 (MANE Select); coding-DNA position 2931, A replaced by T.
Protein change: p.Glu977Asp; replaces glutamic acid 977 with aspartic acid.
Molecular consequence: missense variant.
Genome position (GRCh38, 1-based): chr17:31,229,915, A>T. VCF-style: chr17-31229915-A-T. GRCh37 (hg19) VCF-style: chr17-29556933-A-T.
Other names: c.2931A>T, p.Glu977Asp (NM_000267.4); short protein forms E977D.
Identifiers: ClinVar variation 3237704 (VCV003237704.1), dbSNP rs1555614447.